The following is an entry in ClinVar:

ClinVar aggregate classification (germline): Uncertain significance. Review status: criteria provided, multiple submitters, no conflicts (2 of 4 stars). 2 submissions from 2 submitters: Uncertain significance (2). Last evaluated 2024-11-19.

Conditions:
Hereditary cancer-predisposing syndrome. Also called: Hereditary neoplastic syndrome; Neoplastic Syndromes, Hereditary; Tumor predisposition; Hereditary Cancer Syndrome. Identifiers: Orphanet 140162, MedGen C0027672, MeSH D009386, MONDO:0015356.
Hereditary diffuse gastric adenocarcinoma (HDGC). Also called: DIFFUSE GASTRIC AND LOBULAR BREAST CANCER SYNDROME. Identifiers: Orphanet 26106, MedGen C1708349, MONDO:0007648, OMIM 137215.

Submissions (2):

Labcorp Genetics (formerly Invitae), Labcorp
Classification: Uncertain significance for Hereditary diffuse gastric adenocarcinoma. Last evaluated: 2024-11-19. Review status: criteria provided, single submitter. Criteria: Invitae Variant Classification Sherloc (09022015). Collection method: clinical testing. Allele origin: germline.
Comment: This sequence change replaces serine, which is neutral and polar, with alanine, which is neutral and non-polar, at codon 847 of the CDH1 protein (p.Ser847Ala). This variant is not present in population databases (gnomAD no frequency). This variant has not been reported in the literature in individuals affected with CDH1-related conditions. ClinVar contains an entry for this variant (Variation ID: 463768). An algorithm developed to predict the effect of missense changes on protein structure and function (PolyPhen-2) suggests that this variant is likely to be disruptive. In summary, the available evidence is currently insufficient to determine the role of this variant in disease. Therefore, it has been classified as a Variant of Uncertain Significance.

Ambry Genetics
Classification: Uncertain significance for Hereditary cancer-predisposing syndrome. Last evaluated: 2018-10-10. Review status: criteria provided, single submitter. Criteria: Ambry Variant Classification Scheme 2023. Collection method: clinical testing. Allele origin: germline.
Comment: The p.S847A variant (also known as c.2539T>G), located in coding exon 16 of the CDH1 gene, results from a T to G substitution at nucleotide position 2539. The serine at codon 847 is replaced by alanine, an amino acid with similar properties. This amino acid position is well conserved in available vertebrate species. In addition, the in silico prediction for this alteration is inconclusive. Since supporting evidence is limited at this time, the clinical significance of this alteration remains unclear.

NM_004360.5(CDH1):c.2539T>G (p.Ser847Ala)

Gene: CDH1 (cadherin 1; plus strand). Cytogenetic location: 16q22.1.
Variant type: single nucleotide variant.
Coding change: c.2539T>G on transcript NM_004360.5 (MANE Select); coding-DNA position 2539, T replaced by G.
Protein change: p.Ser847Ala; replaces serine 847 with alanine.
Molecular consequence: missense variant.
Genome position (GRCh38, 1-based): chr16:68,833,389, T>G. VCF-style: chr16-68833389-T-G. GRCh37 (hg19) VCF-style: chr16-68867292-T-G.
Other names: c.2539T>G (LRG_301t1); c.2356T>G, p.Ser786Ala (NM_001317184.2); c.991T>G, p.Ser331Ala (NM_001317185.2); c.574T>G, p.Ser192Ala (NM_001317186.2); short protein forms S847A, S331A, S192A, S786A.
Identifiers: ClinVar variation 463768 (VCV000463768.13), dbSNP rs1555518248, ClinGen allele CA396472359.
Genomic context (GRCh38, chr16:68,833,389, plus strand): 5'-TATGATTCTCTGCTCGTGTTTGACTATGAAGGAAGCGGTTCCGAAGCTGCTAGTCTGAGC[T>G]CCCTGAACTCCTCAGAGTCAGACAAAGACCAGGACTATGACTACTTGAACGAATGGGGCA-3'
Protein context (NP_004351.1, residues 837-857): GSGSEAASLS[Ser847Ala]LNSSESDKDQ